The following is an entry in ClinVar:

NM_004385.5(VCAN):c.*1296A>G

Gene: VCAN (versican; plus strand). Cytogenetic location: 5q14.3.
Variant type: single nucleotide variant.
Coding change: c.*1296A>G on transcript NM_004385.5 (MANE Select); 1296 bases downstream of the stop codon, A replaced by G.
Molecular consequence: 3 prime UTR variant.
Genome position (GRCh38, 1-based): chr5:83,581,730, A>G. VCF-style: chr5-83581730-A-G. GRCh37 (hg19) VCF-style: chr5-82877549-A-G.
Other names: c.*1296A>G (NM_001126336.3, NM_001164097.2, NM_001164098.2).
Identifiers: ClinVar variation 907814 (VCV000907814.4), dbSNP rs572066915, ClinGen allele CA121804812.

ClinVar aggregate classification (germline): Benign. Review status: criteria provided, single submitter (1 of 4 stars). 2 submissions from 1 submitter: Benign (2). Last evaluated 2018-01-12.

Conditions:
Wagner disease. Also called: WAGNER VITREORETINAL DEGENERATION; WAGNER VITREORETINOPATHY; Wagner Vitreoretinal Degeneration (Wagner Synrdome); WAGNER SYNDROME 1; HYALOIDEORETINAL DEGENERATION OF WAGNER; Wagner syndrome. Identifiers: Orphanet 898, MedGen C1840452, MONDO:0007740, OMIM 143200.
Vitreoretinopathy. Also called: Vitreoretinal degeneration. Identifiers: MedGen C0344290, MONDO:0020248, HP:0007773.

Allele frequency attached by ClinVar (database versions not stated): gnomAD 0.00006 and 0.00007; TOPMed 0.00007; 1000 Genomes Project 0.00040; 1000 Genomes Project 30x 0.00062.
gnomAD v4.1: 11 of 152,302 alleles (0.0072%); highest among the groups gnomAD compares: African/African-American, 0.022%; no homozygotes.

Submissions (2):

Illumina Laboratory Services, Illumina
Classification: Benign for Wagner disease. Last evaluated: 2018-01-12. Review status: criteria provided, single submitter. Criteria: ICSL Variant Classification Criteria 13 December 2019. Collection method: clinical testing. Allele origin: germline.
Comment: This variant was observed in the ICSL laboratory as part of a predisposition screen in an ostensibly healthy population. It had not been previously curated by ICSL or reported in the Human Gene Mutation Database (HGMD: prior to June 1st, 2018), and was therefore a candidate for classification through an automated scoring system. Utilizing variant allele frequency, disease prevalence and penetrance estimates, and inheritance mode, an automated score was calculated to assess if this variant is too frequent to cause the disease. Based on the score and internal cut-off values, a variant classified as benign is not then subjected to further curation. The score for this variant resulted in a classification of benign for this disease.

Illumina Laboratory Services, Illumina
Classification: Benign for Vitreoretinopathy. Last evaluated: 2018-01-12. Review status: criteria provided, single submitter. Criteria: ICSL Variant Classification Criteria 13 December 2019. Collection method: clinical testing. Allele origin: germline.
Comment: the same text as in the submission from Illumina Laboratory Services, Illumina above.